The following is an entry in ClinVar:

ClinVar aggregate classification (germline): Uncertain significance (1 of 4 stars; one submission).

Submission:

Labcorp Genetics (formerly Invitae), Labcorp
Classification: Uncertain significance. Last evaluated: 2022-02-20. Review status: criteria provided, single submitter. Criteria: Invitae Variant Classification Sherloc (09022015). Collection method: clinical testing. Allele origin: germline.
Comment: In summary, the available evidence is currently insufficient to determine the role of this variant in disease. Therefore, it has been classified as a Variant of Uncertain Significance. Algorithms developed to predict the effect of missense changes on protein structure and function output the following: SIFT: "Tolerated"; PolyPhen-2: "Benign"; Align-GVGD: "Class C0". The alanine amino acid residue is found in multiple mammalian species, which suggests that this missense change does not adversely affect protein function. This variant has not been reported in the literature in individuals affected with GHRHR-related conditions. This variant is not present in population databases (gnomAD no frequency). This sequence change replaces valine, which is neutral and non-polar, with alanine, which is neutral and non-polar, at codon 142 of the GHRHR protein (p.Val142Ala).

NM_000823.4(GHRHR):c.425T>C (p.Val142Ala)

Gene: GHRHR (growth hormone releasing hormone receptor; plus strand). Cytogenetic location: 7p14.3.
Variant type: single nucleotide variant.
Coding change: c.425T>C on transcript NM_000823.4 (MANE Select); coding-DNA position 425, T replaced by C.
Protein change: p.Val142Ala; replaces valine 142 with alanine.
Molecular consequence: missense variant.
Genome position (GRCh38, 1-based): chr7:30,971,177, T>C. VCF-style: chr7-30971177-T-C. GRCh37 (hg19) VCF-style: chr7-31010792-T-C.
Other names: short protein forms V142A.
Identifiers: ClinVar variation 1473207 (VCV001473207.6), dbSNP rs2128597693, ClinGen allele CA367152164.
Genomic context (GRCh38, chr7:30,971,177, plus strand): 5'-AGGAATCTTACTTCTCCACAGTGAAGATTATCTACACCGTGGGCCATAGCATCTCTATTG[T>C]AGCCCTCTTCGTGGCCATCACCATCCTGGTTGCTCTCAGGTTTGTCATCCTCATCACCAG-3'
Protein context (NP_000814.2, residues 132-152): IYTVGHSISI[Val142Ala]ALFVAITILV